The following is an entry in ClinVar:

NM_001281747.2(MLIP):c.2060C>T (p.Thr687Ile)

Gene: MLIP (muscular LMNA interacting protein; plus strand). Cytogenetic location: 6p12.1.
Variant type: single nucleotide variant.
Coding change: c.2060C>T on transcript NM_001281747.2 (MANE Select); coding-DNA position 2060, C replaced by T.
Protein change: p.Thr687Ile; replaces threonine 687 with isoleucine.
Molecular consequence: missense variant. On other transcripts: intron variant (1).
Genome position (GRCh38, 1-based): chr6:54,138,129, C>T. VCF-style: chr6-54138129-C-T. GRCh37 (hg19) VCF-style: chr6-54002927-C-T.
Other names: c.2027C>T, p.Thr676Ile (NM_001281746.2); c.613-10927C>T (NM_138569.3); short protein forms T676I, T687I.
Identifiers: ClinVar variation 4978557 (VCV004978557.1).

ClinVar aggregate classification (germline): Likely benign (1 of 4 stars; one submission).

Conditions:
MLIP-related disorder. Also called: MLIP-related condition.

gnomAD v4.1: 751 of 1,536,136 alleles (0.049%); highest among the groups gnomAD compares: Middle Eastern, 0.48%; 2 homozygotes.

Submission:

PreventionGenetics, part of Exact Sciences
Classification: Likely benign for MLIP-related condition. Last evaluated: 2025-01-13. Review status: criteria provided, single submitter. Criteria: ACMG Guidelines, 2015. Collection method: clinical testing. Allele origin: germline.
Comment: This variant is classified as likely benign based on ACMG/AMP sequence variant interpretation guidelines (Richards et al. 2015 PMID: 25741868, with internal and published modifications).